The following is an entry in ClinVar:

NM_005592.4(MUSK):c.1052T>C (p.Leu351Pro)

Gene: MUSK (muscle associated receptor tyrosine kinase; plus strand). Cytogenetic location: 9q31.3.
Variant type: single nucleotide variant.
Coding change: c.1052T>C on transcript NM_005592.4 (MANE Select); coding-DNA position 1052, T replaced by C.
Protein change: p.Leu351Pro; replaces leucine 351 with proline.
Molecular consequence: missense variant. On other transcripts: 5 prime UTR variant (1), intron variant (2).
Genome position (GRCh38, 1-based): chr9:110,767,951, T>C. VCF-style: chr9-110767951-T-C. GRCh37 (hg19) VCF-style: chr9-113530231-T-C.
Other names: c.-185T>C (NM_001369398.1); c.950+5743T>C (NM_001166280.2); c.920+5743T>C (NM_001166281.2); short protein forms L351P.
Identifiers: ClinVar variation 2128532 (VCV002128532.4), dbSNP rs2491048355, ClinGen allele CA374469022.

ClinVar aggregate classification (germline): Uncertain significance (1 of 4 stars; one submission).

Conditions:
Fetal akinesia deformation sequence 1 (FADS1). Also called: Fetal akinesia sequence; Pena-Shokeir syndrome type I. Identifiers: Orphanet 994, MedGen C1276035, MONDO:0100101, OMIM 208150, HP:0001989.
Congenital myasthenic syndrome 9. Also called: Myasthenic syndrome, congenital, 9, associated with acetylcholine receptor deficiency. Identifiers: Orphanet 590, MedGen C4225368, MONDO:0014587, OMIM 616325.

Submission:

Labcorp Genetics (formerly Invitae), Labcorp
Classification: Uncertain significance for Congenital myasthenic syndrome 9; Fetal akinesia deformation sequence 1. Last evaluated: 2022-04-20. Review status: criteria provided, single submitter. Criteria: Invitae Variant Classification Sherloc (09022015). Collection method: clinical testing. Allele origin: germline.
Comment: In summary, the available evidence is currently insufficient to determine the role of this variant in disease. Therefore, it has been classified as a Variant of Uncertain Significance. Algorithms developed to predict the effect of missense changes on protein structure and function (SIFT, PolyPhen-2, Align-GVGD) all suggest that this variant is likely to be disruptive. This variant has not been reported in the literature in individuals affected with MUSK-related conditions. This variant is not present in population databases (gnomAD no frequency). This sequence change replaces leucine, which is neutral and non-polar, with proline, which is neutral and non-polar, at codon 351 of the MUSK protein (p.Leu351Pro).